The following is an entry in ClinVar:

NM_001130438.3(SPTAN1):c.4906G>A (p.Ala1636Thr)

Gene: SPTAN1 (spectrin alpha, non-erythrocytic 1; plus strand). Cytogenetic location: 9q34.11.
Variant type: single nucleotide variant.
Coding change: c.4906G>A on transcript NM_001130438.3 (MANE Select); coding-DNA position 4906, G replaced by A.
Protein change: p.Ala1636Thr; replaces alanine 1636 with threonine.
Molecular consequence: missense variant.
Genome position (GRCh38, 1-based): chr9:128,612,109, G>A. VCF-style: chr9-128612109-G-A. GRCh37 (hg19) VCF-style: chr9-131374388-G-A.
Other names: c.4831G>A, p.Ala1611Thr (NM_001195532.2); c.4906G>A, p.Ala1636Thr (NM_001363759.2, NM_001375310.1, NM_001375311.2 and 1 more transcripts); c.4846G>A, p.Ala1616Thr (NM_001363765.2, NM_001375314.2); c.4942G>A, p.Ala1648Thr (NM_001375312.2, NM_001375318.1); c.4891G>A, p.Ala1631Thr (NM_003127.4); short protein forms A1611T, A1616T, A1631T, A1636T, A1648T.
Identifiers: ClinVar variation 3392683 (VCV003392683.1).
Genomic context (GRCh38, chr9:128,612,109, plus strand): 5'-TTAGGAGAGGGACGATTCTTCATAGATTTCATCTCTTTTTGGCTCCCTTCTGTTCCCCAG[G>A]CCCGCCTGGCTGCCTTAGCTGACCAGTGGCAGTTCTTGGTGCAAAAGTCAGCGGAAAAGA-3'
Protein context (NP_001123910.1, residues 1626-1646): ACAGSEDAVK[Ala1636Thr]RLAALADQWQ

ClinVar aggregate classification (germline): Uncertain significance (1 of 4 stars; one submission).

Submission:

GeneDx
Classification: Uncertain significance. Last evaluated: 2024-06-24. Review status: criteria provided, single submitter. Criteria: GeneDx Variant Classification Process June 2021. Collection method: clinical testing. Allele origin: germline. Affected: yes.
Comment: Not observed at significant frequency in large population cohorts (gnomAD); In silico analysis indicates that this missense variant does not alter protein structure/function; Has not been previously published as pathogenic or benign to our knowledge